The following is an entry in ClinVar:

NM_001672.3(ASIP):c.351C>G (p.Arg117=)

Genes: AHCY (adenosylhomocysteinase; minus strand), ASIP (agouti signaling protein; plus strand). Cytogenetic location: 20q11.22.
Variant type: single nucleotide variant.
Coding change: c.351C>G on transcript NM_001672.3 (MANE Select); coding-DNA position 351, C replaced by G.
Protein change: p.Arg117=; no amino-acid change (arginine 117 retained).
Molecular consequence: synonymous variant.
Genome position (GRCh38, 1-based): chr20:34,269,119, C>G. VCF-style: chr20-34269119-C-G. GRCh37 (hg19) VCF-style: chr20-32856925-C-G.
Other names: c.351C>G, p.Arg117= (NM_001385218.1).
Identifiers: ClinVar variation 4977724 (VCV004977724.1).

ClinVar aggregate classification (germline): Likely benign (1 of 4 stars; one submission).

Conditions:
ASIP-related condition.

gnomAD v4.1: 11 of 1,560,468 alleles (0.0007%); highest among the groups gnomAD compares: African/African-American, 0.0014%; no homozygotes.

Submission:

PreventionGenetics, part of Exact Sciences
Classification: Likely benign for ASIP-related condition. Last evaluated: 2025-03-10. Review status: criteria provided, single submitter. Criteria: ACMG Guidelines, 2015. Collection method: clinical testing. Allele origin: germline.
Comment: This variant is classified as likely benign based on ACMG/AMP sequence variant interpretation guidelines (Richards et al. 2015 PMID: 25741868, with internal and published modifications).